The following is an entry in ClinVar:

ClinVar aggregate classification (germline): Uncertain significance (1 of 4 stars; one submission).

gnomAD v4.1: 62 of 1,613,994 alleles (0.0038%); highest among the groups gnomAD compares: Non-Finnish European, 0.0048%; no homozygotes.

Submission:

Labcorp Genetics (formerly Invitae), Labcorp
Classification: Uncertain significance. Last evaluated: 2024-05-06. Review status: criteria provided, single submitter. Criteria: Invitae Variant Classification Sherloc (09022015). Collection method: clinical testing. Allele origin: germline.
Comment: This sequence change replaces arginine, which is basic and polar, with tryptophan, which is neutral and slightly polar, at codon 387 of the SIAE protein (p.Arg387Trp). This variant is present in population databases (rs148403116, gnomAD 0.006%). This variant has not been reported in the literature in individuals affected with SIAE-related conditions. An algorithm developed to predict the effect of missense changes on protein structure and function (PolyPhen-2) suggests that this variant is likely to be disruptive. In summary, the available evidence is currently insufficient to determine the role of this variant in disease. Therefore, it has been classified as a Variant of Uncertain Significance.

NM_170601.5(SIAE):c.1159C>T (p.Arg387Trp)

Gene: SIAE (sialic acid acetylesterase; minus strand). Cytogenetic location: 11q24.2.
Variant type: single nucleotide variant.
Coding change: c.1159C>T on transcript NM_170601.5 (MANE Select); coding-DNA position 1159, C replaced by T.
Protein change: p.Arg387Trp; replaces arginine 387 with tryptophan.
Molecular consequence: missense variant.
Genome position (GRCh38, 1-based): chr11:124,638,703, G>A on the plus strand (C>T on the coding strand, the complement: SIAE is on the minus strand). VCF-style: chr11-124638703-G-A. GRCh37 (hg19) VCF-style: chr11-124508599-G-A.
Other names: c.1054C>T, p.Arg352Trp (NM_001199922.2); short protein forms R352W, R387W.
Identifiers: ClinVar variation 3608970 (VCV003608970.2).